The following is an entry in ClinVar:

ClinVar aggregate classification (germline): Likely pathogenic (1 of 4 stars; one submission).

Conditions:
Dilated cardiomyopathy 1G (CMD1G). Identifiers: Orphanet 154, MedGen C1858763, MONDO:0011400, OMIM 604145.
Autosomal recessive limb-girdle muscular dystrophy type 2J (LGMDR10). Also called: Limb-girdle muscular dystrophy, type 2J; MUSCULAR DYSTROPHY, LIMB-GIRDLE, AUTOSOMAL RECESSIVE 10. Identifiers: Orphanet 140922, MedGen C1837342, MONDO:0012127, OMIM 608807.

Submission:

Labcorp Genetics (formerly Invitae), Labcorp
Classification: Likely pathogenic for Dilated cardiomyopathy 1G; Autosomal recessive limb-girdle muscular dystrophy type 2J. Last evaluated: 2025-07-05. Review status: criteria provided, single submitter. Criteria: Invitae Variant Classification Sherloc (09022015). Collection method: clinical testing. Allele origin: germline.
Comment: This sequence change creates a premature translational stop signal (p.Glu18207Glyfs*9) in the TTN gene. While this is not anticipated to result in nonsense mediated decay, it is expected to create a truncated TTN protein. This variant is not present in population databases (gnomAD no frequency). This variant has not been reported in the literature in individuals affected with TTN-related conditions. ClinVar contains an entry for this variant (Variation ID: 834475). This variant is located in the A band of TTN (PMID: 25589632). Truncating variants in this region are significantly overrepresented in patients affected with dilated cardiomyopathy (PMID: 25589632). Truncating variants in this region have also been reported in individuals affected with autosomal recessive centronuclear myopathy (PMID: 23975875). In summary, the currently available evidence indicates that the variant is pathogenic, but additional data are needed to prove that conclusively. Therefore, this variant has been classified as Likely Pathogenic.

Literature cited by the submitters: PubMed 25589632; PubMed 23975875.

NM_001267550.2(TTN):c.54620_54624del (p.Glu18207fs)

Genes: TTN-AS1 (TTN antisense RNA 1; plus strand), TTN (titin; minus strand). Cytogenetic location: 2q31.2.
Variant type: Microsatellite.
Coding change: c.54620_54624del on transcript NM_001267550.2 (MANE Select); coding-DNA positions 54620 to 54624, 5 bases deleted (AAGAG; older notation c.54620_54624delAAGAG).
Protein change: p.Glu18207fs; shifts the reading frame from glutamic acid 18207.
Molecular consequence: frameshift variant.
Genome position (GRCh38, 1-based): chr2:178,604,063-178,604,067, CTCTT deleted on the plus strand (AAGAG on the coding strand, the reverse complement: TTN is on the minus strand); deleting any 5 consecutive bases within chr2:178,604,063-178,604,072 gives the same sequence; the c. name uses the placement nearest the transcript's 3' end. VCF-style (leftmost placement, unchanged base first): chr2-178604062-CCTCTT-C. GRCh37 (hg19) VCF-style: chr2-179468789-CCTCTT-C.
Other names: c.49697_49701del, p.Glu16566fs (NM_001256850.1); c.27425_27429del, p.Glu9142fs (NM_003319.4); c.46916_46920del, p.Glu15639fs (NM_133378.4); c.27800_27804del, p.Glu9267fs (NM_133432.3); c.28001_28005del, p.Glu9334fs (NM_133437.4); short protein forms E9334fs, E16566fs, E18207fs, E9267fs, E15639fs, E9142fs.
Identifiers: ClinVar variation 834475 (VCV000834475.2), dbSNP rs2054170313, ClinGen allele CA916081357.